The following is an entry in ClinVar:

NM_000092.5(COL4A4):c.1819G>A (p.Ala607Thr)

Gene: COL4A4 (collagen type IV alpha 4 chain; minus strand). Cytogenetic location: 2q36.3.
Variant type: single nucleotide variant.
Coding change: c.1819G>A on transcript NM_000092.5 (MANE Select); coding-DNA position 1819, G replaced by A.
Protein change: p.Ala607Thr; replaces alanine 607 with threonine.
Molecular consequence: missense variant.
Genome position (GRCh38, 1-based): chr2:227,078,062, C>T on the plus strand (G>A on the coding strand, the complement: COL4A4 is on the minus strand). VCF-style: chr2-227078062-C-T. GRCh37 (hg19) VCF-style: chr2-227942778-C-T.
Other names: p.Ala607Thr; short protein forms A607T.
Identifiers: ClinVar variation 734797 (VCV000734797.20), dbSNP rs75539253, ClinGen allele CA2145041.

ClinVar aggregate classification (germline): Conflicting classifications of pathogenicity. Review status: criteria provided, conflicting classifications (1 of 4 stars). 7 submissions from 7 submitters: Uncertain significance (1); Likely benign (4). 2 of the submissions do not count toward it. Last evaluated 2026-01-19.

Conditions:
COL4A4-related disorder.
Inborn genetic diseases. Identifiers: MedGen C0950123, MeSH D030342.
Autosomal recessive Alport syndrome (ATS2). Also called: COL4A4 Alport Syndrome and Thin Basement Membrane Nephropathy; ALPORT SYNDROME 2, AUTOSOMAL RECESSIVE; COL4A3-Related Nephropathy; Alport syndrome type 2. Identifiers: Orphanet 63, Orphanet 88919, MedGen C4746745, MONDO:0008762, OMIM 203780.
Benign familial hematuria. Also called: thin basement membrane disease. Identifiers: MedGen C0241908, MONDO:0957317.
Alport syndrome. Also called: Hemorrhagic familial nephritis; Hemorrhagic hereditary nephritis; Congenital hereditary hematuria. Identifiers: Orphanet 63, MedGen C1567741, MONDO:0018965.

Allele frequency attached by ClinVar (database versions not stated): TOPMed 0.00108; gnomAD 0.00102 and 0.00109; 1000 Genomes Project 30x 0.00172; ExAC 0.00037; ESP Exome Variant Server 0.00143; gnomAD exomes 0.00011 and 0.00028; 1000 Genomes Project 0.00140.
gnomAD v4.1: 309 of 1,614,006 alleles (0.019%); highest among the groups gnomAD compares: African/African-American, 0.4%; 1 homozygote.

Submissions (7):

Labcorp Genetics (formerly Invitae), Labcorp
Classification: Likely benign. Last evaluated: 2026-01-19. Review status: criteria provided, single submitter. Criteria: Invitae Variant Classification Sherloc (09022015). Collection method: clinical testing. Allele origin: germline.

Ambry Genetics
Classification: Likely benign for Inborn genetic diseases. Last evaluated: 2025-08-03. Review status: criteria provided, single submitter. Criteria: Ambry Variant Classification Scheme 2023. Collection method: clinical testing. Allele origin: germline.

Mayo Clinic Laboratories, Mayo Clinic
Classification: Uncertain significance. Last evaluated: 2023-10-13. Review status: criteria provided, single submitter. Criteria: ACMG Guidelines, 2015. Collection method: clinical testing. Allele origin: germline. Observed: 1 variant allele.

Fulgent Genetics
Classification: Likely benign for Hematuria, benign familial, 1; Autosomal recessive Alport syndrome. Last evaluated: 2021-09-30. Review status: criteria provided, single submitter. Criteria: ACMG Guidelines, 2015. Collection method: clinical testing. Allele origin: unknown.

GeneDx
Classification: Likely benign. Last evaluated: 2020-07-13. Review status: criteria provided, single submitter. Criteria: GeneDx Variant Classification Process June 2021. Collection method: clinical testing. Allele origin: germline. Affected: yes.

PreventionGenetics, part of Exact Sciences
Classification: Likely benign for COL4A4-related condition. Last evaluated: 2021-10-21. Review status: no assertion criteria provided. Collection method: clinical testing. Allele origin: germline. Not counted in ClinVar's aggregate classification.
Comment: This variant is classified as likely benign based on ACMG/AMP sequence variant interpretation guidelines (Richards et al. 2015 PMID: 25741868, with internal and published modifications).

Natera, Inc.
Classification: Uncertain significance for Alport syndrome. Last evaluated: 2019-11-11. Review status: no assertion criteria provided. Collection method: clinical testing. Allele origin: germline. Not counted in ClinVar's aggregate classification.